The following is an entry in ClinVar:

NM_004822.3(NTN1):c.1412-5T>A

Gene: NTN1 (netrin 1; plus strand). Cytogenetic location: 17p13.1.
Variant type: single nucleotide variant.
Coding change: c.1412-5T>A on transcript NM_004822.3 (MANE Select); 5 bases into the intron before coding-DNA position 1412, T replaced by A.
Molecular consequence: intron variant.
Genome position (GRCh38, 1-based): chr17:9,221,163, T>A. VCF-style: chr17-9221163-T-A. GRCh37 (hg19) VCF-style: chr17-9124480-T-A.
Identifiers: ClinVar variation 2070564 (VCV002070564.1), dbSNP rs200209816, ClinGen allele CA981343142.

ClinVar aggregate classification (germline): Uncertain significance (1 of 4 stars; one submission).

Submission:

Labcorp Genetics (formerly Invitae), Labcorp
Classification: Uncertain significance. Last evaluated: 2020-12-18. Review status: criteria provided, single submitter. Criteria: Invitae Variant Classification Sherloc (09022015). Collection method: clinical testing. Allele origin: germline.
Comment: This sequence change falls in intron 5 of the NTN1 gene. It does not directly change the encoded amino acid sequence of the NTN1 protein. This variant is not present in population databases (ExAC no frequency). This variant has not been reported in the literature in individuals with NTN1-related disease. Algorithms developed to predict the effect of sequence changes on RNA splicing suggest that this variant may disrupt the consensus splice site, but this prediction has not been confirmed by published transcriptional studies. In summary, the available evidence is currently insufficient to determine the role of this variant in disease. Therefore, it has been classified as a Variant of Uncertain Significance.